The following is an entry in ClinVar:

NM_031407.7(HUWE1):c.1421T>C (p.Val474Ala)

Gene: HUWE1 (HECT, UBA and WWE domain containing E3 ubiquitin protein ligase 1; minus strand). Cytogenetic location: Xp11.22.
Variant type: single nucleotide variant.
Coding change: c.1421T>C on transcript NM_031407.7 (MANE Select); coding-DNA position 1421, T replaced by C.
Protein change: p.Val474Ala; replaces valine 474 with alanine.
Molecular consequence: missense variant.
Genome position (GRCh38, 1-based): chrX:53,627,478, A>G on the plus strand (T>C on the coding strand, the complement: HUWE1 is on the minus strand). VCF-style: chrX-53627478-A-G. GRCh37 (hg19) VCF-style: chrX-53654429-A-G.
Other names: short protein forms V474A.
Identifiers: ClinVar variation 450891 (VCV000450891.2), dbSNP rs1557018809, ClinGen allele CA413154191.
Genomic context (GRCh38, chrX:53,627,478, plus strand): 5'-TCAGTTTCCATTTCCTCTCCTTCTTGTGTAGTATTGGGTCTCTGGATCTTTGGCTTGATC[A>G]CAAACGGACATTCTTTTCGGCACAAATCTACTTCATGCTACAATCAAGAGAAAGGTTATA-3'
Protein context (NP_113584.3, residues 464-484): VDLCRKECPF[Val474Ala]IKPKIQRPNT

ClinVar aggregate classification (germline): Uncertain significance (1 of 4 stars; one submission).

Allele frequency attached by ClinVar (database versions not stated): gnomAD exomes below 0.00001.
gnomAD v4.1: 1 of 1,205,149 alleles (0.000083%); highest among the groups gnomAD compares: Non-Finnish European, 0.00011%; no homozygotes.

Submission:

GeneDx
Classification: Uncertain significance. Last evaluated: 2017-07-25. Review status: criteria provided, single submitter. Criteria: GeneDx Variant Classification (06012015). Collection method: clinical testing. Allele origin: germline. Affected: yes.
Comment: The V474A variant in the HUWE1 gene has not been reported previously as a pathogenic variant, nor as a benign variant, to our knowledge. This variant is not observed in large population cohorts (Lek et al., 2016; 1000 Genomes Consortium et al., 2015; Exome Variant Server). The V474A variant is a conservative amino acid substitution, which is not likely to impact secondary protein structure as these residues share similar properties. This substitution occurs at a position that is conserved across species. In silico analysis is inconsistent in its predictions as to whether or not the variant is damaging to the protein structure/function. Based on currently available evidence, we interpret V474A as a variant of uncertain significance.